The following is an entry in ClinVar:

ClinVar aggregate classification (germline): Uncertain significance (1 of 4 stars; one submission).

Submission:

GeneDx
Classification: Uncertain significance. Last evaluated: 2024-10-31. Review status: criteria provided, single submitter. Criteria: GeneDx Variant Classification Process June 2021. Collection method: clinical testing. Allele origin: germline. Affected: yes.
Comment: Not observed at significant frequency in large population cohorts (gnomAD); In silico analysis supports that this missense variant has a deleterious effect on protein structure/function; Has not been previously published as pathogenic or benign to our knowledge

NM_170606.3(KMT2C):c.9082C>A (p.Pro3028Thr)

Gene: KMT2C (lysine methyltransferase 2C; minus strand). Cytogenetic location: 7q36.1.
Variant type: single nucleotide variant.
Coding change: c.9082C>A on transcript NM_170606.3 (MANE Select); coding-DNA position 9082, C replaced by A.
Protein change: p.Pro3028Thr; replaces proline 3028 with threonine.
Molecular consequence: missense variant.
Genome position (GRCh38, 1-based): chr7:152,176,371, G>T on the plus strand (C>A on the coding strand, the complement: KMT2C is on the minus strand). VCF-style: chr7-152176371-G-T. GRCh37 (hg19) VCF-style: chr7-151873456-G-T.
Other names: short protein forms P3028T.
Identifiers: ClinVar variation 3897533 (VCV003897533.1).